The following is an entry in ClinVar:

ClinVar aggregate classification (germline): Pathogenic/Likely pathogenic. Review status: criteria provided, multiple submitters, no conflicts (2 of 4 stars). 4 submissions from 3 submitters: Pathogenic (1); Likely pathogenic (3). Last evaluated 2024-07-08.

Conditions:
Retinitis pigmentosa 12 (RP12). Also called: RP WITH OR WITHOUT PRESERVED PARAARTERIOLE RETINAL PIGMENT EPITHELIUM; RETINITIS PIGMENTOSA WITH OR WITHOUT PARAARTERIOLAR PRESERVATION OF RETINAL PIGMENT EPITHELIUM; RP WITH OR WITHOUT PPRPE. Identifiers: Orphanet 791, MedGen C1838647, MONDO:0010818, OMIM 600105.
Leber congenital amaurosis 8 (LCA8). Identifiers: Orphanet 65, MedGen C3151202, MONDO:0013453, OMIM 613835.

Allele frequency attached by ClinVar (database versions not stated): gnomAD exomes below 0.00001 and 0.00001; ExAC 0.00002.
gnomAD v4.1: 6 of 1,614,164 alleles (0.00037%); highest among the groups gnomAD compares: South Asian, 0.0066%; no homozygotes.

Submissions (4):

Labcorp Genetics (formerly Invitae), Labcorp
Classification: Pathogenic for Leber congenital amaurosis 8; Retinitis pigmentosa 12. Last evaluated: 2024-07-08. Review status: criteria provided, single submitter. Criteria: Invitae Variant Classification Sherloc (09022015). Collection method: clinical testing. Allele origin: germline.
Comment: This sequence change replaces glycine, which is neutral and non-polar, with arginine, which is basic and polar, at codon 333 of the CRB1 protein (p.Gly333Arg). This variant is present in population databases (rs778232235, gnomAD 0.006%). This missense change has been observed in individuals with inherited retinal dystrophy (PMID: 21602930; Invitae). ClinVar contains an entry for this variant (Variation ID: 1301835). Advanced modeling of protein sequence and biophysical properties (such as structural, functional, and spatial information, amino acid conservation, physicochemical variation, residue mobility, and thermodynamic stability) performed at Invitae indicates that this missense variant is expected to disrupt CRB1 protein function with a positive predictive value of 95%. This variant disrupts the p.Gly333 amino acid residue in CRB1. Other variant(s) that disrupt this residue have been observed in individuals with CRB1-related conditions (PMID: 18682808, 25412400), which suggests that this may be a clinically significant amino acid residue. For these reasons, this variant has been classified as Pathogenic.

Genome-Nilou Lab
Classification: Likely pathogenic for Leber congenital amaurosis 8. Last evaluated: 2023-04-11. Review status: criteria provided, single submitter. Criteria: ACMG Guidelines, 2015. Collection method: clinical testing. Allele origin: germline. Affected: no.

Genome-Nilou Lab
Classification: Likely pathogenic for Retinitis pigmentosa 12. Last evaluated: 2023-04-11. Review status: criteria provided, single submitter. Criteria: ACMG Guidelines, 2015. Collection method: clinical testing. Allele origin: germline. Affected: no.

Dubai Health Genomic Medicine Center, Dubai Health
Classification: Likely pathogenic for Retinitis pigmentosa 12. Last evaluated: 2020-07-07. Review status: criteria provided, single submitter. Criteria: ACMG Guidelines, 2015. Collection method: clinical testing. Allele origin: germline. Affected: yes.
Comment: The p.Gly333Arg missense variant in CRB1 has not been previously reported in individuals with disease but was identified in 2/30604 (0.0065% 0 homozygotes) South Asian alleles in the Genome Aggregation Database (gnomAD). Two other missense variants at the same position (Gly333Ala and Gly333Asp) were identified in the compound heterozygous state with two different nonsense CRB1 variants in three patients whose features were consistent with retinitis pigmentosa and night blindness (PMIDs: 25412400 and 18682808). Conservation analysis and computational prediction tools suggest an impact to protein function. In summary this variant meets our criteria to be classified as likely pathogenic.

Literature cited by the submitters: PubMed 21602930 (cited by Labcorp Genetics (formerly Invitae), Labcorp); PubMed 18682808 (cited by Labcorp Genetics (formerly Invitae), Labcorp); PubMed 25412400 (cited by Labcorp Genetics (formerly Invitae), Labcorp).

NM_201253.3(CRB1):c.997G>C (p.Gly333Arg)

Gene: CRB1 (crumbs cell polarity complex component 1; plus strand). Cytogenetic location: 1q31.3.
Variant type: single nucleotide variant.
Coding change: c.997G>C on transcript NM_201253.3 (MANE Select); coding-DNA position 997, G replaced by C.
Protein change: p.Gly333Arg; replaces glycine 333 with arginine.
Molecular consequence: missense variant. On other transcripts: non-coding transcript variant (2).
Genome position (GRCh38, 1-based): chr1:197,356,839, G>C. VCF-style: chr1-197356839-G-C. GRCh37 (hg19) VCF-style: chr1-197325969-G-C.
Other names: c.661G>C, p.Gly221Arg (NM_001193640.2); c.790G>C, p.Gly264Arg (NM_001257965.2); c.997G>C, p.Gly333Arg (NM_001257966.2); short protein forms G221R, G264R, G333R.
Identifiers: ClinVar variation 1301835 (VCV001301835.10), dbSNP rs778232235, ClinGen allele CA1311780.